The following is an entry in ClinVar:

ClinVar aggregate classification (germline): Pathogenic. Review status: criteria provided, multiple submitters, no conflicts (2 of 4 stars). 2 submissions from 2 submitters: Pathogenic (2). Last evaluated 2025-01-16.

Conditions:
Hereditary cancer-predisposing syndrome. Also called: Hereditary Cancer Syndrome; Tumor predisposition; Hereditary neoplastic syndrome; Neoplastic Syndromes, Hereditary. Identifiers: Orphanet 140162, MedGen C0027672, MeSH D009386, MONDO:0015356.
Melanoma, cutaneous malignant, susceptibility to, 1 (CMM1). Also called: DYSPLASTIC NEVUS SYNDROME, HEREDITARY; FAMILIAL ATYPICAL MOLE-MALIGNANT MELANOMA SYNDROME; B-K MOLE SYNDROME; MELANOMA, MALIGNANT. Identifiers: Orphanet 618, MedGen C1835047, MONDO:0007963, OMIM 155600.
Germ cell tumor of testis (TGCT). Also called: Testicular germ cell tumor; GERM CELL TUMOR, SOMATIC. Identifiers: Orphanet 363504, MedGen C1336708, MONDO:0010108, OMIM 273300.
Peutz-Jeghers syndrome (PJS). Also called: Peutz-Jeghers polyposis; Periorificial lentiginosis syndrome; POLYPOSIS, HAMARTOMATOUS INTESTINAL; POLYPS-AND-SPOTS SYNDROME. Identifiers: Orphanet 2869, MedGen C0031269, MeSH D010580, MONDO:0008280, OMIM 175200.
Familial pancreatic carcinoma. Identifiers: Orphanet 1333, MedGen C2931038, MONDO:0015278, OMIM 260350.

Submissions (2):

Ambry Genetics
Classification: Pathogenic for Hereditary cancer-predisposing syndrome. Last evaluated: 2025-01-16. Review status: criteria provided, single submitter. Criteria: Ambry Variant Classification Scheme 2023. Collection method: clinical testing. Allele origin: germline.
Comment: The c.388dupG pathogenic mutation, located in coding exon 3 of the STK11 gene, results from a duplication of G at nucleotide position 388, causing a translational frameshift with a predicted alternate stop codon (p.E130Gfs*33). This variant was reported in individual(s) with features consistent with Peutz-Jeghers syndrome (Forte G et al. Genes Dis, 2022 Mar;9:288-291; Ambry internal data). This variant is considered to be rare based on population cohorts in the Genome Aggregation Database (gnomAD). In addition to the clinical data presented in the literature, this alteration is expected to result in loss of function by premature protein truncation or nonsense-mediated mRNA decay. As such, this alteration is interpreted as a disease-causing mutation.

Juno Genomics, Hangzhou Juno Genomics, Inc
Classification: Pathogenic for Melanoma, cutaneous malignant, susceptibility to, 1; Familial pancreatic carcinoma; Peutz-Jeghers syndrome; Germ cell tumor of testis. Review status: criteria provided, single submitter. Criteria: ACMG Guidelines, 2015. Collection method: clinical testing. Allele origin: germline. Affected: yes.
Comment: Null variant in a gene where loss of function (LOF) is a known mechanism of disease.;Absent from controls (or at extremely low frequency if recessive) in Genome Aggregation Database, Exome Sequencing Project, 1000 Genomes Project, or Exome Aggregation Consortium.;The prevalence of the variant in affected individuals is significantly increased compared to the prevalence in controls.;Patient's phenotype or family history is highly specific for a disease with a single genetic etiology.

Literature cited by the submitters: PubMed 35224145 (cited by Ambry Genetics).

NM_000455.5(STK11):c.388dup (p.Glu130fs)

Gene: STK11 (serine/threonine kinase 11; plus strand). Cytogenetic location: 19p13.3.
Variant type: Duplication.
Coding change: c.388dup on transcript NM_000455.5 (MANE Select); coding-DNA position 388, one base duplicated (G; older notation c.388dupG).
Protein change: p.Glu130fs; shifts the reading frame from glutamic acid 130.
Molecular consequence: frameshift variant. On other transcripts: non-coding transcript variant (1).
Genome position (GRCh38, 1-based): chr19:1,219,337, G duplicated; the last of 2 consecutive G bases (chr19:1,219,336-1,219,337); duplicating either gives the same sequence. VCF-style (leftmost placement, unchanged base first): chr19-1219335-T-TG. GRCh37 (hg19) VCF-style: chr19-1219334-T-TG.
Other names: c.388dupG (NM_000455.4); c.388dup, p.Glu130fs (NM_001407255.1); short protein forms E130fs.
Identifiers: ClinVar variation 3383032 (VCV003383032.3).